The following is an entry in ClinVar:

ClinVar aggregate classification (germline): Uncertain significance (1 of 4 stars; one submission).

Allele frequency attached by ClinVar (database versions not stated): gnomAD exomes below 0.00001; gnomAD 0.00001; TOPMed 0.00001.

Submission:

Labcorp Genetics (formerly Invitae), Labcorp
Classification: Uncertain significance. Last evaluated: 2022-11-22. Review status: criteria provided, single submitter. Criteria: Invitae Variant Classification Sherloc (09022015). Collection method: clinical testing. Allele origin: germline.
Comment: In summary, the available evidence is currently insufficient to determine the role of this variant in disease. Therefore, it has been classified as a Variant of Uncertain Significance. This variant has not been reported in the literature in individuals affected with NLRP1-related conditions. This variant is not present in population databases (gnomAD no frequency). This sequence change creates a premature translational stop signal (p.Ser107Phefs*11) in the NLRP1 gene. It is expected to result in an absent or disrupted protein product. However, the current clinical and genetic evidence is not sufficient to establish whether loss-of-function variants in NLRP1 cause disease.

NM_033004.4(NLRP1):c.320del (p.Ser107fs)

Gene: NLRP1 (NLR family pyrin domain containing 1; minus strand). Cytogenetic location: 17p13.2.
Variant type: Deletion.
Coding change: c.320del on transcript NM_033004.4 (MANE Select); coding-DNA position 320, one base deleted (C; older notation c.320delC).
Protein change: p.Ser107fs; shifts the reading frame from serine 107.
Molecular consequence: frameshift variant.
Genome position (GRCh38, 1-based): chr17:5,582,798, G deleted on the plus strand (C on the coding strand, the reverse complement: NLRP1 is on the minus strand). VCF-style (leftmost placement, unchanged base first): chr17-5582797-AG-A. GRCh37 (hg19) VCF-style: chr17-5486117-AG-A.
Other names: c.320del, p.Ser107fs (NM_001033053.3, NM_014922.5, NM_033006.4 and 1 more transcripts); short protein forms S107fs.
Identifiers: ClinVar variation 1912609 (VCV001912609.5), dbSNP rs1261566850, ClinGen allele CA773282411.